The following is an entry in ClinVar:

NM_000059.4(BRCA2):c.2023del (p.Thr675fs)

Gene: BRCA2 (BRCA2 DNA repair associated; plus strand). Cytogenetic location: 13q13.1.
Variant type: Deletion.
Coding change: c.2023del on transcript NM_000059.4 (MANE Select); coding-DNA position 2023, one base deleted (A; older notation c.2023delA).
Protein change: p.Thr675fs; shifts the reading frame from threonine 675.
Molecular consequence: frameshift variant.
Genome position (GRCh38, 1-based): chr13:32,336,378, A deleted; the last of 3 consecutive A bases (chr13:32,336,376-32,336,378); deleting any one gives the same sequence. VCF-style (leftmost placement, unchanged base first): chr13-32336375-GA-G. GRCh37 (hg19) VCF-style: chr13-32910512-GA-G.
Other names: 2251delA; short protein forms T675fs.
Identifiers: ClinVar variation 266673 (VCV000266673.5), dbSNP rs886040401, ClinGen allele CA10589131.

ClinVar aggregate classification (germline): Pathogenic. Review status: reviewed by expert panel (3 of 4 stars). 2 submissions from 2 submitters: Pathogenic (1). 1 of the submissions does not count toward it. Last evaluated 2016-10-18.

Conditions:
Breast-ovarian cancer, familial, susceptibility to, 2 (BROVCA2). Also called: BRCA2 Hereditary Breast and Ovarian Cancer. Identifiers: Orphanet 145, MedGen C2675520, MONDO:0012933, OMIM 612555. Disease mechanism: loss of function.

Submissions (2):

Evidence-based Network for the Interpretation of Germline Mutant Alleles (ENIGMA)
Classification: Pathogenic for Breast-ovarian cancer, familial, susceptibility to, 2. Last evaluated: 2016-10-18. Review status: reviewed by expert panel. Criteria: ENIGMA BRCA1/2 Classification Criteria (2015). Collection method: curation. Allele origin: germline.
Comment: Variant allele predicted to encode a truncated non-functional protein.

Consortium of Investigators of Modifiers of BRCA1/2 (CIMBA), c/o University of Cambridge
Classification: Pathogenic for Breast-ovarian cancer, familial, susceptibility to, 2. Last evaluated: 2015-10-02. Review status: criteria provided, single submitter. Criteria: CIMBA Mutation Classification guidelines May 2016. Collection method: clinical testing. Allele origin: germline. Not counted in ClinVar's aggregate classification.